The following is an entry in ClinVar:

NM_000295.5(SERPINA1):c.523G>A (p.Glu175Lys)

Gene: SERPINA1 (serpin family A member 1; minus strand). Cytogenetic location: 14q32.13.
Variant type: single nucleotide variant.
Coding change: c.523G>A on transcript NM_000295.5 (MANE Select); coding-DNA position 523, G replaced by A.
Protein change: p.Glu175Lys; replaces glutamic acid 175 with lysine.
Molecular consequence: missense variant.
Genome position (GRCh38, 1-based): chr14:94,382,715, C>T on the plus strand (G>A on the coding strand, the complement: SERPINA1 is on the minus strand). VCF-style: chr14-94382715-C-T. GRCh37 (hg19) VCF-style: chr14-94849052-C-T.
Other names: c.523G>A, p.Glu175Lys (NM_001127705.2, NM_001127706.2, NM_001127707.2 and 7 more transcripts); short protein forms E175K.
Identifiers: ClinVar variation 4737859 (VCV004737859.1).

ClinVar aggregate classification (germline): Uncertain significance (1 of 4 stars; one submission).

Conditions:
Alpha-1-antitrypsin deficiency (A1ATD). Also called: AAT deficiency; A1AT deficiency; Alpha1-Antitrypsin Deficiency. Identifiers: Orphanet 60, MedGen C0221757, MONDO:0013282, OMIM 613490.

gnomAD v4.1: 45 of 1,614,236 alleles (0.0028%); highest among the groups gnomAD compares: Admixed American, 0.0083%; no homozygotes.

Submission:

Labcorp Genetics (formerly Invitae), Labcorp
Classification: Uncertain significance for Alpha-1-antitrypsin deficiency. Last evaluated: 2025-11-25. Review status: criteria provided, single submitter. Criteria: Invitae Variant Classification Sherloc (09022015). Collection method: clinical testing. Allele origin: germline.
Comment: This sequence change replaces glutamic acid, which is acidic and polar, with lysine, which is basic and polar, at codon 175 of the SERPINA1 protein (p.Glu175Lys). This variant is present in population databases (rs149770048, gnomAD 0.01%). This missense change has been observed in individual(s) with alpha-1 antitrypsin deficiency (PMID: 29232161). Invitae Evidence Modeling of protein sequence and biophysical properties (such as structural, functional, and spatial information, amino acid conservation, physicochemical variation, residue mobility, and thermodynamic stability) indicates that this missense variant is not expected to disrupt SERPINA1 protein function with a negative predictive value of 80%. Experimental studies have shown that this missense change does not substantially affect SERPINA1 function (PMID: 29232161). In summary, the available evidence is currently insufficient to determine the role of this variant in disease. Therefore, it has been classified as a Variant of Uncertain Significance.

Literature cited by the submitters: PubMed 29232161.